The following is an entry in ClinVar:

ClinVar aggregate classification (germline): Conflicting classifications of pathogenicity. Review status: criteria provided, conflicting classifications (1 of 4 stars). 12 submissions from 12 submitters: Uncertain significance (2); Benign (1); Likely benign (4). 5 of the submissions do not count toward it. Last evaluated 2026-07-01.

Conditions:
Acrocallosal syndrome (ACLS). Also called: HALLUX DUPLICATION, POSTAXIAL POLYDACTYLY, AND ABSENCE OF CORPUS CALLOSUM; Schinzel syndrome 1; Absence of corpus callosum with unusual facial appearance, mental deficiency, duplication of the halluces and polydactyly. Identifiers: Orphanet 36, MedGen C0796147, MONDO:0008708, OMIM 200990.
KIF7-related disorder. Also called: KIF7-related condition.
Inborn genetic diseases. Identifiers: MedGen C0950123, MeSH D030342.

Allele frequency attached by ClinVar (database versions not stated): ESP Exome Variant Server 0.00077; TOPMed 0.00088; ExAC 0.00093; gnomAD 0.00150; 1000 Genomes Project 30x 0.00016; 1000 Genomes Project 0.00020.
gnomAD v4.1: 1,648 of 1,594,140 alleles (0.1%); highest among the groups gnomAD compares: Non-Finnish European, 0.12%; 2 homozygotes.

Submissions (12):

CeGaT Center for Human Genetics Tuebingen
Classification: Likely benign. Last evaluated: 2026-07-01. Review status: criteria provided, single submitter. Criteria: CeGaT Center For Human Genetics Tuebingen Variant Classification Criteria Version 2. Collection method: clinical testing. Allele origin: germline. Affected: yes. Observed: 6 variant alleles.
Comment: KIF7: BP4

Labcorp Genetics (formerly Invitae), Labcorp
Classification: Benign for Acrocallosal syndrome. Last evaluated: 2026-01-21. Review status: criteria provided, single submitter. Criteria: Invitae Variant Classification Sherloc (09022015). Collection method: clinical testing. Allele origin: germline.

Blueprint Genetics
Classification: Likely benign. Last evaluated: 2024-11-21. Review status: criteria provided, single submitter. Criteria: ACMG Guidelines, 2015. Collection method: clinical testing. Allele origin: germline.

Ambry Genetics
Classification: Likely benign for Inborn genetic diseases. Last evaluated: 2024-10-25. Review status: criteria provided, single submitter. Criteria: Ambry Variant Classification Scheme 2023. Collection method: clinical testing. Allele origin: germline.

GeneDx
Classification: Likely benign. Last evaluated: 2021-04-22. Review status: criteria provided, single submitter. Criteria: GeneDx Variant Classification Process June 2021. Collection method: clinical testing. Allele origin: germline. Affected: yes.

Illumina Laboratory Services, Illumina
Classification: Uncertain significance for Acrocallosal syndrome. Last evaluated: 2018-01-12. Review status: criteria provided, single submitter. Criteria: ICSL Variant Classification Criteria 13 December 2019. Collection method: clinical testing. Allele origin: germline.

Eurofins Ntd Llc (ga)
Classification: Uncertain significance. Last evaluated: 2016-03-30. Review status: criteria provided, single submitter. Criteria: EGL Classification Definitions 2015. Collection method: clinical testing. Allele origin: germline. Observed: 1 variant allele, 1 heterozygote.

PreventionGenetics, part of Exact Sciences
Classification: Likely benign for KIF7-related condition. Last evaluated: 2021-12-09. Review status: no assertion criteria provided. Collection method: clinical testing. Allele origin: germline. Not counted in ClinVar's aggregate classification.
Comment: This variant is classified as likely benign based on ACMG/AMP sequence variant interpretation guidelines (Richards et al. 2015 PMID: 25741868, with internal and published modifications).

Clinical Genetics DNA and cytogenetics Diagnostics Lab, Erasmus MC, Erasmus Medical Center
Classification: Likely benign. Review status: no assertion criteria provided. Collection method: clinical testing. Allele origin: germline. Affected: yes. Study: VKGL Data-share Consensus. Not counted in ClinVar's aggregate classification.

Clinical Genetics, Academic Medical Center
Classification: Likely benign. Review status: no assertion criteria provided. Collection method: clinical testing. Allele origin: germline. Affected: yes. Study: VKGL Data-share Consensus. Not counted in ClinVar's aggregate classification.

Genome Diagnostics Laboratory, University Medical Center Utrecht
Classification: Likely benign. Review status: no assertion criteria provided. Collection method: clinical testing. Allele origin: germline. Affected: yes. Study: VKGL Data-share Consensus. Not counted in ClinVar's aggregate classification.

Joint Genome Diagnostic Labs from Nijmegen and Maastricht, Radboudumc and MUMC+
Classification: Likely benign. Review status: no assertion criteria provided. Collection method: clinical testing. Allele origin: germline. Affected: yes. Study: VKGL Data-share Consensus. Not counted in ClinVar's aggregate classification.

NM_198525.3(KIF7):c.3514C>A (p.Arg1172=)

Genes: KIF7 (kinesin family member 7; minus strand), LOC126862216 (BRD4-independent group 4 enhancer GRCh37_chr15:90171995-90173194; plus strand). Cytogenetic location: 15q26.1.
Variant type: single nucleotide variant.
Coding change: c.3514C>A on transcript NM_198525.3 (MANE Select); coding-DNA position 3514, C replaced by A.
Protein change: p.Arg1172=; no amino-acid change (arginine 1172 retained).
Molecular consequence: synonymous variant.
Genome position (GRCh38, 1-based): chr15:89,629,378, G>T on the plus strand (C>A on the coding strand, the complement: KIF7 is on the minus strand). VCF-style: chr15-89629378-G-T. GRCh37 (hg19) VCF-style: chr15-90172609-G-T.
Identifiers: ClinVar variation 286941 (VCV000286941.49), dbSNP rs138196132, ClinGen allele CA7727686.